The following is an entry in ClinVar:

ClinVar aggregate classification (germline): Likely pathogenic. Review status: criteria provided, multiple submitters, no conflicts (2 of 4 stars). 2 submissions from 2 submitters: Likely pathogenic (2). Last evaluated 2020-10-19.

Conditions:
MAK-related disorders.

Submissions (2):

Labcorp Genetics (formerly Invitae), Labcorp
Classification: Likely pathogenic. Last evaluated: 2020-10-19. Review status: criteria provided, single submitter. Criteria: Invitae Variant Classification Sherloc (09022015). Collection method: clinical testing. Allele origin: germline.
Comment: This sequence change affects a donor splice site in intron 7 of the MAK gene. It is expected to disrupt RNA splicing. Variants that disrupt the donor or acceptor splice site typically lead to a loss of protein function (PMID: 16199547), and loss-of-function variants in MAK are known to be pathogenic (PMID: 21148103, 21825139, 24938718, 29781741). In summary, the currently available evidence indicates that the variant is pathogenic, but additional data are needed to prove that conclusively. Therefore, this variant has been classified as Likely Pathogenic. This variant has not been reported in the literature in individuals with MAK-related conditions. This variant is not present in population databases (ExAC no frequency).

Blueprint Genetics
Classification: Likely pathogenic for MAK-related disorders. Last evaluated: 2019-09-06. Review status: criteria provided, single submitter. Criteria: ACMG Guidelines, 2015. Collection method: clinical testing. Allele origin: germline. Affected: yes. Observed: 2 variant alleles.

Literature cited by the submitters: PubMed 16199547 (cited by Labcorp Genetics (formerly Invitae), Labcorp); PubMed 21148103 (cited by Labcorp Genetics (formerly Invitae), Labcorp); PubMed 21825139 (cited by Labcorp Genetics (formerly Invitae), Labcorp); PubMed 24938718 (cited by Labcorp Genetics (formerly Invitae), Labcorp); PubMed 29781741 (cited by Labcorp Genetics (formerly Invitae), Labcorp).

NM_001242957.3(MAK):c.831+1G>C

Gene: MAK (male germ cell associated kinase; minus strand). Cytogenetic location: 6p24.2.
Variant type: single nucleotide variant.
Coding change: c.831+1G>C on transcript NM_001242957.3 (MANE Select); the canonical splice donor site of the intron after coding-DNA position 831, G replaced by C.
Molecular consequence: splice donor variant.
Genome position (GRCh38, 1-based): chr6:10,801,891, C>G on the plus strand (G>C on the coding strand, the complement: MAK is on the minus strand). VCF-style: chr6-10801891-C-G. GRCh37 (hg19) VCF-style: chr6-10802124-C-G.
Other names: c.729+1G>C (NM_001377262.1); c.831+1G>C (NM_005906.6, NM_001242385.2).
Identifiers: ClinVar variation 1067754 (VCV001067754.10), dbSNP rs2127556087, ClinGen allele CA362719952.